The following is an entry in ClinVar:

ClinVar aggregate classification (germline): Pathogenic (1 of 4 stars; one submission).

Conditions:
Rubinstein-Taybi syndrome (RSTS). Identifiers: Orphanet 783, MedGen C0035934, MONDO:0019188.

Submission:

Labcorp Genetics (formerly Invitae), Labcorp
Classification: Pathogenic for Rubinstein-Taybi syndrome. Last evaluated: 2019-06-19. Review status: criteria provided, single submitter. Criteria: Invitae Variant Classification Sherloc (09022015). Collection method: clinical testing. Allele origin: germline.
Comment: For these reasons, this variant has been classified as Pathogenic. This variant is an in-frame deletion of the genomic region encompassing exon 5 of the CREBBP gene. It preserves the integrity of the reading frame.

NC_000016.10:g.(?_3791961)_(3792114_?)del

Gene: CREBBP (CREB binding lysine acetyltransferase; minus strand). Cytogenetic location: 16p13.3.
Variant type: Deletion.
Identifiers: ClinVar variation 831143 (VCV000831143.7).